The following is an entry in ClinVar:

ClinVar aggregate classification (germline): Pathogenic (1 of 4 stars; one submission).

Submission:

Labcorp Genetics (formerly Invitae), Labcorp
Classification: Pathogenic. Last evaluated: 2025-07-24. Review status: criteria provided, single submitter. Criteria: Invitae Variant Classification Sherloc (09022015). Collection method: clinical testing. Allele origin: germline.
Comment: This sequence change creates a premature translational stop signal (p.Glu1758*) in the MYO18B gene. It is expected to result in an absent or disrupted protein product. Loss-of-function variants in MYO18B are known to be pathogenic (PMID: 25748484, 32184166, 32637634). This variant is not present in population databases (gnomAD no frequency). This variant has not been reported in the literature in individuals affected with MYO18B-related conditions. ClinVar contains an entry for this variant (Variation ID: 3694007). For these reasons, this variant has been classified as Pathogenic.

Literature cited by the submitters: PubMed 25748484; PubMed 32184166; PubMed 32637634.

NM_032608.7(MYO18B):c.5272G>T (p.Glu1758Ter)

Gene: MYO18B (myosin XVIIIB; plus strand). Cytogenetic location: 22q12.1.
Variant type: single nucleotide variant.
Coding change: c.5272G>T on transcript NM_032608.7 (MANE Select); coding-DNA position 5272, G replaced by T.
Protein change: p.Glu1758Ter; replaces glutamic acid 1758 with a stop codon.
Molecular consequence: nonsense.
Genome position (GRCh38, 1-based): chr22:25,910,958, G>T. VCF-style: chr22-25910958-G-T. GRCh37 (hg19) VCF-style: chr22-26306925-G-T.
Other names: c.5275G>T, p.Glu1759Ter (NM_001318245.2); short protein forms E1759*, E1758*.
Identifiers: ClinVar variation 3694007 (VCV003694007.2).